The following is an entry in ClinVar:

ClinVar aggregate classification (germline): Uncertain significance (1 of 4 stars; one submission).

Conditions:
Epilepsy, familial focal, with variable foci 3 (FFEVF3). Identifiers: MedGen C4310708, MONDO:0014925, OMIM 617118.

Submission:

Labcorp Genetics (formerly Invitae), Labcorp
Classification: Uncertain significance for Epilepsy, familial focal, with variable foci 3. Last evaluated: 2023-07-19. Review status: criteria provided, single submitter. Criteria: Invitae Variant Classification Sherloc (09022015). Collection method: clinical testing. Allele origin: unknown.
Comment: In summary, the available evidence is currently insufficient to determine the role of this variant in disease. Therefore, it has been classified as a Variant of Uncertain Significance. Experimental studies and prediction algorithms are not available or were not evaluated, and the functional significance of this variant is currently unknown. A similar copy number variant has been observed in individual(s) with epilepsy (PMID: 33749980). This variant is a gross deletion of the genomic region encompassing exon(s) 5 of the NPRL3 gene. This variant would be expected to be in-frame, preserving the integrity of the reading frame.

Literature cited by the submitters: PubMed 33749980.

NC_000016.9:g.(?_167280)_(167394_?)del

Gene: NPRL3 (NPR3 like, GATOR1 complex subunit; minus strand). Cytogenetic location: 16p13.3.
Variant type: Deletion.
Identifiers: ClinVar variation 3243546 (VCV003243546.1).